The following is an entry in ClinVar:

ClinVar aggregate classification (germline): Uncertain significance (1 of 4 stars; one submission).

Allele frequency attached by ClinVar (database versions not stated): ExAC 0.00001; gnomAD 0.00002; gnomAD exomes 0.00002; TOPMed 0.00002.
gnomAD v4.1: 29 of 1,613,862 alleles (0.0018%); highest among the groups gnomAD compares: Non-Finnish European, 0.0025%; no homozygotes.

Submissions (2):

GeneDx
Classification: Uncertain significance. Last evaluated: 2025-07-11. Review status: criteria provided, single submitter. Criteria: GeneDx Variant Classification Process June 2021. Collection method: clinical testing. Allele origin: germline. Affected: yes.
Comment: Not observed at significant frequency in large population cohorts (gnomAD); In silico analysis supports that this missense variant has a deleterious effect on protein structure/function; Has not been previously published as pathogenic or benign to our knowledge

Dr. Peter K. Rogan Lab, Western University
No classification provided (evidence only). Condition: Colon adenocarcinoma. Review status: no classification provided. Collection method: in vitro. Allele origin: not applicable. Functional consequence: retained intron. Not counted in ClinVar's aggregate classification.

NM_058004.4(PI4KA):c.3781G>A (p.Glu1261Lys)

Gene: PI4KA (phosphatidylinositol 4-kinase alpha; minus strand). Cytogenetic location: 22q11.21.
Variant type: single nucleotide variant.
Coding change: c.3781G>A on transcript NM_058004.4 (MANE Select); coding-DNA position 3781, G replaced by A.
Protein change: p.Glu1261Lys; replaces glutamic acid 1261 with lysine.
Molecular consequence: missense variant.
Genome position (GRCh38, 1-based): chr22:20,734,514, C>T on the plus strand (G>A on the coding strand, the complement: PI4KA is on the minus strand). VCF-style: chr22-20734514-C-T. GRCh37 (hg19) VCF-style: chr22-21088802-C-T.
Other names: NC_000022.10:g.21088802C>T; c.3688G>A, p.Glu1230Lys (NM_001362862.2); c.3715G>A, p.Glu1239Lys (NM_001362863.2); short protein forms E1230K, E1239K, E1261K.
Identifiers: ClinVar variation 1711950 (VCV001711950.5), dbSNP rs764922100, ClinGen allele CA10115250.